The following is an entry in ClinVar:

NM_000070.3(CAPN3):c.1333G>C (p.Gly445Arg)

Gene: CAPN3 (calpain 3; plus strand). Cytogenetic location: 15q15.1.
Variant type: single nucleotide variant.
Coding change: c.1333G>C on transcript NM_000070.3 (MANE Select); coding-DNA position 1333, G replaced by C.
Protein change: p.Gly445Arg; replaces glycine 445 with arginine.
Molecular consequence: missense variant.
Genome position (GRCh38, 1-based): chr15:42,399,631, G>C. VCF-style: chr15-42399631-G-C. GRCh37 (hg19) VCF-style: chr15-42691829-G-C.
Other names: c.1333G>C, p.Gly445Arg (NM_024344.2); c.1189G>C, p.Gly397Arg (NM_173087.2); short protein forms G445R, G397R.
Identifiers: ClinVar variation 596306 (VCV000596306.14), dbSNP rs773827877, ClinGen allele CA7511321.

ClinVar aggregate classification (germline): Pathogenic/Likely pathogenic. Review status: criteria provided, multiple submitters, no conflicts (2 of 4 stars). 5 submissions from 5 submitters: Pathogenic (2); Likely pathogenic (3). Last evaluated 2025-06-25.

Conditions:
Muscular dystrophy, limb-girdle, autosomal dominant 4. Also called: Calpain-3-related limb-girdle muscular dystrophy D4; MUSCULAR DYSTROPHY, LIMB-GIRDLE, TYPE 1I. Identifiers: Orphanet 565909, MedGen C4748295, MONDO:0029133, OMIM 618129.
Autosomal recessive limb-girdle muscular dystrophy type 2A (LGMDR1). Also called: Calpainopathy; Limb-girdle muscular dystrophy, type 2A; Muscular dystrophy, limb-girdle, type 2A, Amish; LEYDEN-MOEBIUS MUSCULAR DYSTROPHY; MUSCULAR DYSTROPHY, PELVOFEMORAL. Identifiers: Orphanet 267, MedGen C1869123, MONDO:0009675, OMIM 253600. Disease mechanism: loss of function.

Submissions (5):

Labcorp Genetics (formerly Invitae), Labcorp
Classification: Pathogenic for Autosomal recessive limb-girdle muscular dystrophy type 2A. Last evaluated: 2025-06-25. Review status: criteria provided, single submitter. Criteria: Invitae Variant Classification Sherloc (09022015). Collection method: clinical testing. Allele origin: germline.
Comment: This sequence change replaces glycine, which is neutral and non-polar, with arginine, which is basic and polar, at codon 445 of the CAPN3 protein (p.Gly445Arg). This variant is present in population databases (rs773827877, gnomAD 0.003%). This missense change has been observed in individuals with autosomal dominant limb-girdle muscular dystrophy (PMID: 10330340, 15221789, 17236769, 18854869; internal data). It has also been observed to segregate with disease in related individuals. ClinVar contains an entry for this variant (Variation ID: 596306). Invitae Evidence Modeling of protein sequence and biophysical properties (such as structural, functional, and spatial information, amino acid conservation, physicochemical variation, residue mobility, and thermodynamic stability) indicates that this missense variant is expected to disrupt CAPN3 protein function with a positive predictive value of 80%. Experimental studies have shown that this missense change affects CAPN3 function (PMID: 15221789, 17236769, 20635405). For these reasons, this variant has been classified as Pathogenic.

Myriad Genetics, Inc.
Classification: Likely pathogenic for Autosomal recessive limb-girdle muscular dystrophy type 2A. Last evaluated: 2025-03-14. Review status: criteria provided, single submitter. Criteria: Myriad Autosomal Dominant, Autosomal Recessive and X-Linked Classification Criteria (2023). Collection method: clinical testing. Allele origin: unknown.
Comment: NM_000070.2(CAPN3):c.1333G>C(G445R) is a missense variant classified as likely pathogenic in the context of calpainopathy. G445R has been observed in cases with relevant disease (PMID: 35169782, 39548682, 35741838). Relevant functional assessments of this variant are not available in the literature. G445R has been observed in referenced population frequency databases. In summary, NM_000070.2(CAPN3):c.1333G>C(G445R) is a missense variant that has been observed more frequently in cases with the relevant disease than in healthy populations. Please note: this variant was assessed in the context of healthy population screening.

Baylor Genetics
Classification: Pathogenic for Muscular dystrophy, limb-girdle, autosomal dominant 4. Last evaluated: 2024-01-28. Review status: criteria provided, single submitter. Criteria: ACMG Guidelines, 2015. Collection method: clinical testing. Allele origin: unknown.

Eurofins Ntd Llc (ga)
Classification: Likely pathogenic. Last evaluated: 2018-03-08. Review status: criteria provided, single submitter. Criteria: EGL ClinVar v180209 classification definitions. Collection method: clinical testing. Allele origin: germline. Observed: 1 variant allele, 1 heterozygote.

Juno Genomics, Hangzhou Juno Genomics, Inc
Classification: Likely pathogenic for Muscular dystrophy, limb-girdle, autosomal dominant 4; Autosomal recessive limb-girdle muscular dystrophy type 2A. Review status: criteria provided, single submitter. Criteria: ACMG Guidelines, 2015. Collection method: clinical testing. Allele origin: germline.
Comment: Absent from controls (or at extremely low frequency if recessive) in Genome Aggregation Database.;Multiple lines of computational evidence support a deleterious effect on the gene or gene product.;Same amino acid change as a previously established pathogenic variant regardless of nucleotide change.

Literature cited by the submitters: PubMed 10330340 (cited by Labcorp Genetics (formerly Invitae), Labcorp); PubMed 15221789 (cited by Labcorp Genetics (formerly Invitae), Labcorp); PubMed 17236769 (cited by Labcorp Genetics (formerly Invitae), Labcorp); PubMed 18854869 (cited by Labcorp Genetics (formerly Invitae), Labcorp); PubMed 20635405 (cited by Labcorp Genetics (formerly Invitae), Labcorp); PubMed 35169782 (cited by Myriad Genetics, Inc.); PubMed 35741838 (cited by Myriad Genetics, Inc.); PubMed 39548682 (cited by Myriad Genetics, Inc.).